The following is an entry in ClinVar:

NM_001375567.1(FOCAD):c.59C>G (p.Ala20Gly)

Gene: FOCAD (focadhesin; plus strand). Cytogenetic location: 9p21.3.
Variant type: single nucleotide variant.
Coding change: c.59C>G on transcript NM_001375567.1 (MANE Select); coding-DNA position 59, C replaced by G.
Protein change: p.Ala20Gly; replaces alanine 20 with glycine.
Molecular consequence: missense variant.
Genome position (GRCh38, 1-based): chr9:20,717,795, C>G. VCF-style: chr9-20717795-C-G. GRCh37 (hg19) VCF-style: chr9-20717794-C-G.
Other names: c.59C>G, p.Ala20Gly (NM_001375568.1, NM_001375570.1, NM_017794.5); short protein forms A20G.
Identifiers: ClinVar variation 2485400 (VCV002485400.4), dbSNP rs1314305915, ClinGen allele CA373043463.

ClinVar aggregate classification (germline): Uncertain significance. Review status: criteria provided, multiple submitters, no conflicts (2 of 4 stars). 2 submissions from 2 submitters: Uncertain significance (2). Last evaluated 2024-05-22.

Conditions:
Inborn genetic diseases. Identifiers: MedGen C0950123, MeSH D030342.

Allele frequency attached by ClinVar (database versions not stated): gnomAD 0.00001.
gnomAD v4.1: 25 of 1,610,296 alleles (0.0016%); highest among the groups gnomAD compares: Non-Finnish European, 0.0019%; no homozygotes.

Submissions (2):

Labcorp Genetics (formerly Invitae), Labcorp
Classification: Uncertain significance. Last evaluated: 2024-05-22. Review status: criteria provided, single submitter. Criteria: Invitae Variant Classification Sherloc (09022015). Collection method: clinical testing. Allele origin: germline.
Comment: This sequence change replaces alanine, which is neutral and non-polar, with glycine, which is neutral and non-polar, at codon 20 of the FOCAD protein (p.Ala20Gly). This variant is present in population databases (no rsID available, gnomAD 0.004%). This variant has not been reported in the literature in individuals affected with FOCAD-related conditions. ClinVar contains an entry for this variant (Variation ID: 2485400). Experimental studies and prediction algorithms are not available or were not evaluated, and the functional significance of this variant is currently unknown. In summary, the available evidence is currently insufficient to determine the role of this variant in disease. Therefore, it has been classified as a Variant of Uncertain Significance.

Ambry Genetics
Classification: Uncertain significance for Inborn genetic diseases. Last evaluated: 2023-02-15. Review status: criteria provided, single submitter. Criteria: Ambry Variant Classification Scheme 2023. Collection method: clinical testing. Allele origin: germline.